The following is an entry in ClinVar:

NM_012193.4(FZD4):c.40_49dup (p.Val17fs)

Gene: FZD4 (frizzled class receptor 4; minus strand). Cytogenetic location: 11q14.2.
Variant type: Microsatellite.
Coding change: c.40_49dup on transcript NM_012193.4 (MANE Select); coding-DNA positions 40 to 49, 10 bases duplicated (CCCGGGGGCG; older notation c.40_49dupCCCGGGGGCG).
Protein change: p.Val17fs; shifts the reading frame from valine 17.
Molecular consequence: frameshift variant.
Genome position (GRCh38, 1-based): chr11:86,955,037-86,955,046, CGCCCCCGGG duplicated on the plus strand (CCCGGGGGCG on the coding strand, the reverse complement: FZD4 is on the minus strand); duplicating any 10 consecutive bases within chr11:86,955,037-86,955,056 gives the same sequence; the c. name uses the placement nearest the transcript's 3' end. VCF-style (leftmost placement, unchanged base first): chr11-86955036-A-ACGCCCCCGGG. GRCh37 (hg19) VCF-style: chr11-86666078-A-ACGCCCCCGGG.
Other names: short protein forms V17fs.
Identifiers: ClinVar variation 4696918 (VCV004696918.1).

ClinVar aggregate classification (germline): Pathogenic (1 of 4 stars; one submission).

Submission:

Labcorp Genetics (formerly Invitae), Labcorp
Classification: Pathogenic. Last evaluated: 2025-12-21. Review status: criteria provided, single submitter. Criteria: Invitae Variant Classification Sherloc (09022015). Collection method: clinical testing. Allele origin: germline.
Comment: This sequence change creates a premature translational stop signal (p.Val17Alafs*116) in the FZD4 gene. While this is not anticipated to result in nonsense mediated decay, it is expected to disrupt the last 521 amino acid(s) of the FZD4 protein. This variant is not present in population databases (gnomAD no frequency). This premature translational stop signal has been observed in individuals with clinical features of exudative vitreoretinopathy (PMID: 35394490; internal data). This variant disrupts a region of the FZD4 protein in which other variant(s) (p.Trp504Aspfs*3) have been determined to be pathogenic (internal data). This suggests that this is a clinically significant region of the protein, and that variants that disrupt it are likely to be disease-causing. For these reasons, this variant has been classified as Pathogenic.

Literature cited by the submitters: PubMed 35394490.